The following is an entry in ClinVar:

ClinVar aggregate classification (germline): Likely pathogenic (1 of 4 stars; one submission).

Submission:

Dasa
Classification: Likely pathogenic. Last evaluated: 2025-12-22. Review status: criteria provided, single submitter. Criteria: DASA Assertion Criteria. Collection method: clinical testing. Allele origin: germline.
Comment: NM_015466.4(PTPN23):c.642C>A (p.Tyr214*) is a nonsense variant in PTPN23 predicted to introduce a premature termination codon and is predicted to result in an absent or altered protein product. Loss of function is an established disease mechanism for PTPN23-associated disorders. Also, this variant is rare in population databases. Based on the currently available evidence, this variant is classified as likely pathogenic.

NM_015466.4(PTPN23):c.642C>A (p.Tyr214Ter)

Gene: PTPN23 (protein tyrosine phosphatase non-receptor type 23; plus strand). Cytogenetic location: 3p21.31.
Variant type: single nucleotide variant.
Coding change: c.642C>A on transcript NM_015466.4 (MANE Select); coding-DNA position 642, C replaced by A.
Protein change: p.Tyr214Ter; replaces tyrosine 214 with a stop codon.
Molecular consequence: nonsense.
Genome position (GRCh38, 1-based): chr3:47,406,495, C>A. VCF-style: chr3-47406495-C-A. GRCh37 (hg19) VCF-style: chr3-47447985-C-A.
Other names: c.264C>A, p.Tyr88Ter (NM_001304482.2); short protein forms Y214*, Y88*.
Identifiers: ClinVar variation 4882509 (VCV004882509.2).